The following is an entry in ClinVar:

NM_014795.4(ZEB2):c.2162C>T (p.Pro721Leu)

Gene: ZEB2 (zinc finger E-box binding homeobox 2; minus strand). Cytogenetic location: 2q22.3.
Variant type: single nucleotide variant.
Coding change: c.2162C>T on transcript NM_014795.4 (MANE Select); coding-DNA position 2162, C replaced by T.
Protein change: p.Pro721Leu; replaces proline 721 with leucine.
Molecular consequence: missense variant.
Genome position (GRCh38, 1-based): chr2:144,399,025, G>A on the plus strand (C>T on the coding strand, the complement: ZEB2 is on the minus strand). VCF-style: chr2-144399025-G-A. GRCh37 (hg19) VCF-style: chr2-145156592-G-A.
Other names: c.2090C>T, p.Pro697Leu (NM_001171653.2); short protein forms P721L, P697L.
Identifiers: ClinVar variation 437326 (VCV000437326.10), dbSNP rs1240429329, ClinGen allele CA348708891.

ClinVar aggregate classification (germline): Conflicting classifications of pathogenicity. Review status: criteria provided, conflicting classifications (1 of 4 stars). 3 submissions from 3 submitters: Uncertain significance (2); Likely benign (1). Last evaluated 2025-08-06.

Conditions:
Mowat-Wilson syndrome (MOWS). Also called: Classic Mowat-Wilson Syndrome. Identifiers: Orphanet 2152, MedGen C1856113, MONDO:0009341, OMIM 235730.

Allele frequency attached by ClinVar (database versions not stated): gnomAD 0.00001; TOPMed 0.00002.
gnomAD v4.1: 6 of 1,613,994 alleles (0.00037%); highest among the groups gnomAD compares: Non-Finnish European, 0.00051%; no homozygotes.

Submissions (3):

Labcorp Genetics (formerly Invitae), Labcorp
Classification: Uncertain significance for Mowat-Wilson syndrome. Last evaluated: 2025-08-06. Review status: criteria provided, single submitter. Criteria: Invitae Variant Classification Sherloc (09022015). Collection method: clinical testing. Allele origin: germline.
Comment: This sequence change replaces proline, which is neutral and non-polar, with leucine, which is neutral and non-polar, at codon 721 of the ZEB2 protein (p.Pro721Leu). This variant is not present in population databases (gnomAD no frequency). This variant has not been reported in the literature in individuals affected with ZEB2-related conditions. ClinVar contains an entry for this variant (Variation ID: 437326). An algorithm developed to predict the effect of missense changes on protein structure and function (PolyPhen-2) suggests that this variant is likely to be tolerated. In summary, the available evidence is currently insufficient to determine the role of this variant in disease. Therefore, it has been classified as a Variant of Uncertain Significance.

Blueprint Genetics
Classification: Likely benign. Last evaluated: 2022-09-08. Review status: criteria provided, single submitter. Criteria: ACMG Guidelines, 2015. Collection method: clinical testing. Allele origin: germline.

Genetic Services Laboratory, University of Chicago
Classification: Uncertain significance. Last evaluated: 2016-03-23. Review status: criteria provided, single submitter. Criteria: ACMG Guidelines, 2015. Collection method: clinical testing. Allele origin: germline. Affected: no.